The following is an entry in ClinVar:

ClinVar aggregate classification (germline): Uncertain significance (1 of 4 stars; one submission).

gnomAD v4.1: 2 of 1,550,366 alleles (0.00013%); highest among the groups gnomAD compares: African/African-American, 0.0027%; no homozygotes.

Submission:

GeneDx
Classification: Uncertain significance. Last evaluated: 2023-05-01. Review status: criteria provided, single submitter. Criteria: GeneDx Variant Classification Process June 2021. Collection method: clinical testing. Allele origin: germline. Affected: yes.
Comment: Not observed at significant frequency in large population cohorts (gnomAD); In silico analysis supports that this missense variant does not alter protein structure/function; Has not been previously published as pathogenic or benign to our knowledge

NM_001367479.1(DNAH14):c.1972A>T (p.Ile658Leu)

Gene: DNAH14 (dynein axonemal heavy chain 14; plus strand). Cytogenetic location: 1q42.12.
Variant type: single nucleotide variant.
Coding change: c.1972A>T on transcript NM_001367479.1 (MANE Select); coding-DNA position 1972, A replaced by T.
Protein change: p.Ile658Leu; replaces isoleucine 658 with leucine.
Molecular consequence: missense variant.
Genome position (GRCh38, 1-based): chr1:225,050,269, A>T. VCF-style: chr1-225050269-A-T. GRCh37 (hg19) VCF-style: chr1-225237971-A-T.
Other names: NM_001373.1:c.1972A>T; short protein forms I658L.
Identifiers: ClinVar variation 2663399 (VCV002663399.1), dbSNP rs1014054290, ClinGen allele CA39020077.